The following is an entry in ClinVar:

ClinVar aggregate classification (germline): Conflicting classifications of pathogenicity. Review status: criteria provided, conflicting classifications (1 of 4 stars). 11 submissions from 11 submitters: Uncertain significance (1); Benign (1); Likely benign (5). 4 of the submissions do not count toward it. Last evaluated 2026-03-30.

Conditions:
Hereditary breast ovarian cancer syndrome. Also called: Hereditary breast and ovarian cancer syndrome; Hereditary breast and ovarian cancer syndrome (HBOC); Breast and ovarian cancer; BRCA1- and BRCA2-Associated Hereditary Breast and Ovarian Cancer; Hereditary breast and ovarian cancer; Hereditary breast and/or ovarian cancer syndrome. Identifiers: Orphanet 145, MedGen C0677776, MeSH D061325, MONDO:0003582. Disease mechanism: loss of function.
Breast-ovarian cancer, familial, susceptibility to, 2 (BROVCA2). Also called: BRCA2 Hereditary Breast and Ovarian Cancer. Identifiers: Orphanet 145, MedGen C2675520, MONDO:0012933, OMIM 612555. Disease mechanism: loss of function.
Hereditary cancer-predisposing syndrome. Also called: Tumor predisposition; Hereditary neoplastic syndrome; Neoplastic Syndromes, Hereditary; Hereditary Cancer Syndrome. Identifiers: Orphanet 140162, MedGen C0027672, MeSH D009386, MONDO:0015356.

Submissions (11):

Women's Health and Genetics/Laboratory Corporation of America, LabCorp
Classification: Likely benign. Last evaluated: 2026-03-30. Review status: criteria provided, single submitter. Criteria: LabCorp Variant Classification Summary - May 2015. Collection method: clinical testing. Allele origin: germline.
Comment: Variant summary: BRCA2 c.476-9dupT, also referred to as c.476-9_476-8insT, alters a nucleotide located at a position not widely known to affect splicing. Consensus agreement among computation tools predict no significant impact on normal splicing. At least one functional study has reported that this variant has no impact on splicing, supporting these predictions (Houdayer_2012). The variant allele was found at a frequency of 3.2e-05 in 250658 control chromosomes. The available data on variant occurrences in the general population are insufficient to allow any conclusion about variant significance. c.476-9dupT has been observed in an individual affected with triple-negative breast cancer, but without strong evidence of causality (e.g. Wong-Brown_2015). Therefore, this report does not provide unequivocal conclusions about association of the variant with Hereditary Breast and Ovarian Cancer. Additionally, co-occurrence with a pathogenic variant has been reported (BRCA2 c.4936_4939delGAAA, p.Glu1646GlnfsX23) in an individual in the UMD database, providing supporting evidence for a benign role. The following publications have been ascertained in the context of this evaluation (PMID: 22505045, 25682074). ClinVar contains an entry for this variant (Variation ID: 126118). Based on the evidence outlined above, the variant was classified as likely benign.

Labcorp Genetics (formerly Invitae), Labcorp
Classification: Benign for Hereditary breast ovarian cancer syndrome. Last evaluated: 2026-01-20. Review status: criteria provided, single submitter. Criteria: Invitae Variant Classification Sherloc (09022015). Collection method: clinical testing. Allele origin: germline.

Blueprint Genetics
Classification: Likely benign. Last evaluated: 2024-01-03. Review status: criteria provided, single submitter. Criteria: ACMG Guidelines, 2015. Collection method: clinical testing. Allele origin: germline.

GeneDx
Classification: Likely benign. Last evaluated: 2019-02-28. Review status: criteria provided, single submitter. Criteria: GeneDx Variant Classification Process June 2021. Collection method: clinical testing. Allele origin: germline. Affected: yes.

Molecular Genetics Laboratory, University of Michigan
Classification: Uncertain significance for Breast-ovarian cancer, familial, susceptibility to, 2. Last evaluated: 2016-04-21. Review status: criteria provided, single submitter. Criteria: ACMG Guidelines, 2015. Collection method: clinical testing. Allele origin: germline. Affected: yes.

Genome Diagnostics Laboratory, University Medical Center Utrecht
Classification: Likely benign for Breast-ovarian cancer, familial, susceptibility to, 2. Last evaluated: 2015-06-22. Review status: criteria provided, single submitter. Criteria: ACGS Guidelines, 2013. Collection method: clinical testing. Allele origin: germline. Affected: yes. Study: VKGL Data-share Consensus.

Color Diagnostics, LLC DBA Color Health
Classification: Likely benign for Hereditary cancer-predisposing syndrome. Last evaluated: 2015-02-23. Review status: criteria provided, single submitter. Criteria: ACMG Guidelines, 2015. Collection method: clinical testing. Allele origin: germline.

BRCAlab, Lund University
Classification: Likely benign for Breast-ovarian cancer, familial, susceptibility to, 2. Last evaluated: 2020-03-02. Review status: no assertion criteria provided. Collection method: clinical testing. Allele origin: germline. Affected: yes. Not counted in ClinVar's aggregate classification.

Research Molecular Genetics Laboratory, Women's College Hospital, University of Toronto
Classification: Uncertain significance. Last evaluated: 2014-02-19. Review status: no assertion criteria provided. Collection method: research. Allele origin: germline. Affected: yes. Study: The Canadian Open Genetics Repository (COGR). Not counted in ClinVar's aggregate classification.

Breast Cancer Information Core (BIC) (BRCA2)
Classification: Uncertain significance for Breast-ovarian cancer, familial 2. Last evaluated: 2004-02-20. Review status: no assertion criteria provided. Collection method: clinical testing. Allele origin: germline. Affected: yes. Observed: 2 variant alleles. Not counted in ClinVar's aggregate classification.

Clinical Genetics Laboratory, Department of Pathology, Netherlands Cancer Institute
Classification: Likely benign. Review status: no assertion criteria provided. Collection method: clinical testing. Allele origin: germline. Affected: yes. Study: VKGL Data-share Consensus. Not counted in ClinVar's aggregate classification.

Literature cited by the submitters: PubMed 22505045 (cited by Women's Health and Genetics/Laboratory Corporation of America, LabCorp); PubMed 25682074 (cited by Women's Health and Genetics/Laboratory Corporation of America, LabCorp).

NM_000059.4(BRCA2):c.476-9dup

Gene: BRCA2 (BRCA2 DNA repair associated; plus strand). Cytogenetic location: 13q13.1.
Variant type: Duplication.
Coding change: c.476-9dup on transcript NM_000059.4 (MANE Select); 9 bases into the intron before coding-DNA position 476, one base duplicated (T; older notation c.476-9dupT).
Molecular consequence: intron variant.
Genome position (GRCh38, 1-based): chr13:32,326,233, T duplicated; the last of 7 consecutive T bases (chr13:32,326,227-32,326,233); duplicating any one gives the same sequence. VCF-style (leftmost placement, unchanged base first): chr13-32326226-C-CT. GRCh37 (hg19) VCF-style: chr13-32900363-C-CT.
Other names: IVS5-9insT; c.476-9_476-8insT (NM_000059.3); c.476-9dupT (NM_000059.4, NM_000059.3).
Identifiers: ClinVar variation 126118 (VCV000126118.31), dbSNP rs276174849, ClinGen allele CA020813.